The following is an entry in ClinVar:

ClinVar aggregate classification (germline): Uncertain significance (1 of 4 stars; one submission).

Conditions:
PLXNA4-related disorder. Also called: PLXNA4-related condition.

gnomAD v4.1: 20 of 1,592,058 alleles (0.0013%); highest among the groups gnomAD compares: African/African-American, 0.008%; no homozygotes.

Submission:

PreventionGenetics, part of Exact Sciences
Classification: Uncertain significance for PLXNA4-related condition. Last evaluated: 2025-04-15. Review status: criteria provided, single submitter. Criteria: ACMG Guidelines, 2015. Collection method: clinical testing. Allele origin: germline.
Comment: The PLXNA4 c.4039C>T variant is predicted to result in the amino acid substitution p.Arg1347Cys. To our knowledge, this variant has not been reported in the literature. This variant is reported in 0.0025% of alleles in individuals of European (Non-Finnish) descent in gnomAD. At this time, the clinical significance of this variant is uncertain due to the absence of conclusive functional and genetic evidence.

NM_020911.2(PLXNA4):c.4039C>T (p.Arg1347Cys)

Gene: PLXNA4 (plexin A4; minus strand). Cytogenetic location: 7q32.3.
Variant type: single nucleotide variant.
Coding change: c.4039C>T on transcript NM_020911.2 (MANE Select); coding-DNA position 4039, C replaced by T.
Protein change: p.Arg1347Cys; replaces arginine 1347 with cysteine.
Molecular consequence: missense variant.
Genome position (GRCh38, 1-based): chr7:132,168,551, G>A on the plus strand (C>T on the coding strand, the complement: PLXNA4 is on the minus strand). VCF-style: chr7-132168551-G-A. GRCh37 (hg19) VCF-style: chr7-131853310-G-A.
Other names: c.4039C>T, p.Arg1347Cys (NM_001393897.1); short protein forms R1347C.
Identifiers: ClinVar variation 3358046 (VCV003358046.2).